The following is an entry in ClinVar:

NM_000458.4(HNF1B):c.949del (p.Ala317fs)

Gene: HNF1B (HNF1 homeobox B; minus strand). Cytogenetic location: 17q12.
Variant type: Deletion.
Coding change: c.949del on transcript NM_000458.4 (MANE Select); coding-DNA position 949, one base deleted (G; older notation c.949delG).
Protein change: p.Ala317fs; shifts the reading frame from alanine 317.
Molecular consequence: frameshift variant.
Genome position (GRCh38, 1-based): chr17:37,731,691, C deleted on the plus strand (G on the coding strand, the reverse complement: HNF1B is on the minus strand). VCF-style (leftmost placement, unchanged base first): chr17-37731690-GC-G. GRCh37 (hg19) VCF-style: chr17-36091681-GC-G.
Other names: c.871del, p.Ala291fs (NM_001165923.4, NM_001304286.2); short protein forms A291fs, A317fs.
Identifiers: ClinVar variation 635623 (VCV000635623.1), dbSNP rs2511801219, ClinGen allele CA913190773.
Genomic context (GRCh38, chr17:37,731,690, plus strand): 5'-TGGTGGGGGGAGCCGTGGGAGAGCAGAGGGTTCAGGCTGTGAGTCTGGTTGGAGCTATAG[GC>G]GTCCATGGCCAGCTTTTGCCGGAATGCCTCCTCCTTCCTGCGGTTTGCAAACCAGTTGTA-3'

ClinVar aggregate classification (germline): Pathogenic (1 of 4 stars; one submission).

Conditions:
Renal cysts and diabetes syndrome (RCAD). Also called: Familial hypoplastic, glomerulocystic kidney; MATURITY-ONSET DIABETES OF THE YOUNG, TYPE 5. Identifiers: Orphanet 93111, MedGen C0431693, MONDO:0007669, OMIM 137920.

Submission:

Institute of Human Genetics, FAU Erlangen, Friedrich-Alexander-Universität Erlangen-Nürnberg
Classification: Pathogenic for Renal cysts and diabetes syndrome. Last evaluated: 2019-07-06. Review status: criteria provided, single submitter. Criteria: ACMG Guidelines, 2015. Collection method: literature only. Allele origin: germline. Affected: yes.
Comment: This variant and it's classification has been reported by Vasileiou et al. 2019; DOI:10.1101/576918. The variants has previously been reported in PMID:25700310; PMID:23539225; PMID:27297286; PMID:25536396 as "c.949delG; c.949del, p.Ala317Profs*10 Exon 4 frameshift; c.949delG" with clinical significance Pathogenic. It has been re-classified using InterVar and manual curation as Pathogenic based on PVS1 PM2 PP3.

Literature cited by the submitters: PubMed 25700310; PubMed 23539225; PubMed 27297286; PubMed 25536396; DOI 10.1101/576918.